The following is an entry in ClinVar:

NM_004360.5(CDH1):c.1300G>A (p.Gly434Ser)

Gene: CDH1 (cadherin 1; plus strand). Cytogenetic location: 16q22.1.
Variant type: single nucleotide variant.
Coding change: c.1300G>A on transcript NM_004360.5 (MANE Select); coding-DNA position 1300, G replaced by A.
Protein change: p.Gly434Ser; replaces glycine 434 with serine.
Molecular consequence: missense variant. On other transcripts: 5 prime UTR variant (2), intron variant (1).
Genome position (GRCh38, 1-based): chr16:68,813,475, G>A. VCF-style: chr16-68813475-G-A. GRCh37 (hg19) VCF-style: chr16-68847378-G-A.
Other names: c.-316G>A (NM_001317185.2); c.-520G>A (NM_001317186.2); c.1137+1212G>A (NM_001317184.2); short protein forms G434S.
Identifiers: ClinVar variation 2866041 (VCV002866041.3), dbSNP rs587781783, ClinGen allele CA396461860.

ClinVar aggregate classification (germline): Uncertain significance (1 of 4 stars; one submission).

Conditions:
Hereditary diffuse gastric adenocarcinoma (HDGC). Also called: DIFFUSE GASTRIC AND LOBULAR BREAST CANCER SYNDROME. Identifiers: Orphanet 26106, MedGen C1708349, MONDO:0007648, OMIM 137215.

Submission:

Labcorp Genetics (formerly Invitae), Labcorp
Classification: Uncertain significance for Hereditary diffuse gastric adenocarcinoma. Last evaluated: 2023-09-01. Review status: criteria provided, single submitter. Criteria: Invitae Variant Classification Sherloc (09022015). Collection method: clinical testing. Allele origin: germline.
Comment: This sequence change replaces glycine, which is neutral and non-polar, with serine, which is neutral and polar, at codon 434 of the CDH1 protein (p.Gly434Ser). This variant is not present in population databases (gnomAD no frequency). This variant has not been reported in the literature in individuals affected with CDH1-related conditions. An algorithm developed to predict the effect of missense changes on protein structure and function (PolyPhen-2) suggests that this variant is likely to be disruptive. In summary, the available evidence is currently insufficient to determine the role of this variant in disease. Therefore, it has been classified as a Variant of Uncertain Significance.